The following is an entry in ClinVar:

NM_001009944.3(PKD1):c.1087T>G (p.Cys363Gly)

Gene: PKD1 (polycystin 1, transient receptor potential channel interacting; minus strand). Cytogenetic location: 16p13.3.
Variant type: single nucleotide variant.
Coding change: c.1087T>G on transcript NM_001009944.3 (MANE Select); coding-DNA position 1087, T replaced by G.
Protein change: p.Cys363Gly; replaces cysteine 363 with glycine.
Molecular consequence: missense variant.
Genome position (GRCh38, 1-based): chr16:2,117,905, A>C on the plus strand (T>G on the coding strand, the complement: PKD1 is on the minus strand). VCF-style: chr16-2117905-A-C. GRCh37 (hg19) VCF-style: chr16-2167906-A-C.
Other names: c.1087T>G, p.Cys363Gly (NM_000296.4); short protein forms C363G.
Identifiers: ClinVar variation 3254612 (VCV003254612.1), dbSNP rs2544877825.

ClinVar aggregate classification (germline): Uncertain significance (1 of 4 stars; one submission).

Conditions:
Polycystic kidney disease, adult type (PKD1). Also called: Polycystic Kidney Disease 1, Autosomal Dominant; Polycystic kidney disease 1; Polycystic kidney disease 1, severe; POLYCYSTIC KIDNEY DISEASE 1 WITH OR WITHOUT POLYCYSTIC LIVER DISEASE; POLYCYSTIC KIDNEY DISEASE, ADULT, TYPE I; Polycystic Kidney, Autosomal Dominant. Identifiers: MedGen C3149841, MONDO:0008263, OMIM 173900.

Submission:

Victorian Clinical Genetics Services, Murdoch Childrens Research Institute
Classification: Uncertain significance for Polycystic kidney disease, adult type. Last evaluated: 2023-07-17. Review status: criteria provided, single submitter. Criteria: ACMG Guidelines, 2015. Collection method: clinical testing. Allele origin: germline. Inheritance: Autosomal dominant inheritance. Affected: yes.
Comment: Based on the classification scheme VCGS_Germline_v1.3.4, this variant is classified as VUS-3A. Following criteria are met: 0102 - Loss of function is a known mechanism of disease in this gene and is associated with polycystic kidney disease 1 (MIM#173900). (I) 0107 - This gene is associated with autosomal dominant disease. Polycystic kidney disease 1 (MIM#173900) is predominantly caused by monoallelic variants, with rare reports of biallelic variants causing disease (OMIM). (I) 0200 - Variant is predicted to result in a missense amino acid change from cysteine to glycine. (I) 0251 - This variant is heterozygous. (I) 0301 - Variant is absent from gnomAD (both v2 and v3). (SP) 0501 - Missense variant consistently predicted to be damaging by multiple in silico tools or highly conserved with a major amino acid change. (SP) 0604 - Variant is not located in an established domain, motif, hotspot or informative constraint region. (I) 0704 - Another missense variant comparable to the one identified in this case has limited previous evidence for pathogenicity. This comparable variant (p.(Cys363Tyr)) has been reported in a single family with polycystic kidney disease (PMID: 26150605). (SP) 0807 - This variant has no previous evidence of pathogenicity. (I) 0905 - No published segregation evidence has been identified for this variant. (I) 1007 - No published functional evidence has been identified for this variant. (I) 1208 - Inheritance information for this variant is not currently available in this individual. (I) Legend: (SP) - Supporting pathogenic, (I) - Information, (SB) - Supporting benign

Literature cited by the submitters: PubMed 26150605.